The following is an entry in ClinVar:

NM_213599.3(ANO5):c.2679T>A (p.Asn893Lys)

Gene: ANO5 (anoctamin 5; plus strand). Cytogenetic location: 11p14.3.
Variant type: single nucleotide variant.
Coding change: c.2679T>A on transcript NM_213599.3 (MANE Select); coding-DNA position 2679, T replaced by A.
Protein change: p.Asn893Lys; replaces asparagine 893 with lysine.
Molecular consequence: missense variant.
Genome position (GRCh38, 1-based): chr11:22,279,702, T>A. VCF-style: chr11-22279702-T-A. GRCh37 (hg19) VCF-style: chr11-22301248-T-A.
Other names: c.2676T>A, p.Asn892Lys (NM_001142649.2); short protein forms N893K, N892K.
Identifiers: ClinVar variation 1443423 (VCV001443423.6), dbSNP rs2133811375, ClinGen allele CA379925320.

ClinVar aggregate classification (germline): Uncertain significance (1 of 4 stars; one submission).

Conditions:
Gnathodiaphyseal dysplasia (GDD). Also called: GNATHODIAPHYSEAL SCLEROSIS; OSTEOGENESIS IMPERFECTA WITH UNUSUAL SKELETAL LESIONS. Identifiers: Orphanet 53697, MedGen C1833736, MONDO:0008151, OMIM 166260.
Autosomal recessive limb-girdle muscular dystrophy type 2L (LGMDR12). Also called: Limb-girdle muscular dystrophy, type 2L; Limb-Girdle Muscular Dystrophy R12 Anoctamin-5-Related (LGMD-R12); MUSCULAR DYSTROPHY, LIMB-GIRDLE, AUTOSOMAL RECESSIVE 12. Identifiers: Orphanet 206549, MedGen C1969785, MONDO:0012652, OMIM 611307.

Allele frequency attached by ClinVar (database versions not stated): gnomAD exomes below 0.00001.
gnomAD v4.1: 3 of 1,612,916 alleles (0.00019%); highest among the groups gnomAD compares: Non-Finnish European, 0.00025%; no homozygotes.

Submission:

Labcorp Genetics (formerly Invitae), Labcorp
Classification: Uncertain significance for Autosomal recessive limb-girdle muscular dystrophy type 2L; Gnathodiaphyseal dysplasia. Last evaluated: 2025-02-16. Review status: criteria provided, single submitter. Criteria: Invitae Variant Classification Sherloc (09022015). Collection method: clinical testing. Allele origin: germline.
Comment: This sequence change replaces asparagine, which is neutral and polar, with lysine, which is basic and polar, at codon 893 of the ANO5 protein (p.Asn893Lys). This variant is not present in population databases (gnomAD no frequency). This variant has not been reported in the literature in individuals affected with ANO5-related conditions. ClinVar contains an entry for this variant (Variation ID: 1443423). Invitae Evidence Modeling of protein sequence and biophysical properties (such as structural, functional, and spatial information, amino acid conservation, physicochemical variation, residue mobility, and thermodynamic stability) indicates that this missense variant is not expected to disrupt ANO5 protein function with a negative predictive value of 80%. In summary, the available evidence is currently insufficient to determine the role of this variant in disease. Therefore, it has been classified as a Variant of Uncertain Significance.